The following is an entry in ClinVar:

NM_001253852.3(AP4B1):c.323G>T (p.Ser108Ile)

Gene: AP4B1 (adaptor related protein complex 4 subunit beta 1; minus strand). Cytogenetic location: 1p13.2.
Variant type: single nucleotide variant.
Coding change: c.323G>T on transcript NM_001253852.3 (MANE Select); coding-DNA position 323, G replaced by T.
Protein change: p.Ser108Ile; replaces serine 108 with isoleucine.
Molecular consequence: missense variant. On other transcripts: intron variant (1).
Genome position (GRCh38, 1-based): chr1:113,902,653, C>A on the plus strand (G>T on the coding strand, the complement: AP4B1 is on the minus strand). VCF-style: chr1-113902653-C-A. GRCh37 (hg19) VCF-style: chr1-114445275-C-A.
Other names: c.26G>T, p.Ser9Ile (NM_001253853.3); c.323G>T, p.Ser108Ile (NM_006594.5); c.113+1952G>T (NM_001308312.2); short protein forms S108I, S9I.
Identifiers: ClinVar variation 1927981 (VCV001927981.5), dbSNP rs1157647320, ClinGen allele CA341689248.

ClinVar aggregate classification (germline): Uncertain significance (1 of 4 stars; one submission).

Conditions:
Hereditary spastic paraplegia 47. Also called: CEREBRAL PALSY, SPASTIC QUADRIPLEGIC, 5; adaptor protein 4 (AP-4) deficiency syndrome; Spastic paraplegia 47, autosomal recessive. Identifiers: Orphanet 280763, MedGen C3279738, MONDO:0013551, OMIM 614066.

gnomAD v4.1: 1 of 1,613,146 alleles (0.000062%); highest among the groups gnomAD compares: Admixed American, 0.0017%; no homozygotes.

Submission:

Labcorp Genetics (formerly Invitae), Labcorp
Classification: Uncertain significance for Hereditary spastic paraplegia 47. Last evaluated: 2022-07-17. Review status: criteria provided, single submitter. Criteria: Invitae Variant Classification Sherloc (09022015). Collection method: clinical testing. Allele origin: germline.
Comment: This sequence change replaces serine, which is neutral and polar, with isoleucine, which is neutral and non-polar, at codon 108 of the AP4B1 protein (p.Ser108Ile). This variant is not present in population databases (gnomAD no frequency). This variant has not been reported in the literature in individuals affected with AP4B1-related conditions. Algorithms developed to predict the effect of missense changes on protein structure and function are either unavailable or do not agree on the potential impact of this missense change (SIFT: "Deleterious"; PolyPhen-2: "Possibly Damaging"; Align-GVGD: "Class C0"). In summary, the available evidence is currently insufficient to determine the role of this variant in disease. Therefore, it has been classified as a Variant of Uncertain Significance.